The following is an entry in ClinVar:

NM_002299.4(LCT):c.986+6G>A

Genes: LCT (lactase; minus strand), LCT-AS1 (LCT antisense RNA 1; plus strand). Cytogenetic location: 2q21.3.
Variant type: single nucleotide variant.
Coding change: c.986+6G>A on transcript NM_002299.4 (MANE Select); 6 bases into the intron after coding-DNA position 986, G replaced by A.
Molecular consequence: intron variant. On other transcripts: non-coding transcript variant (1).
Genome position (GRCh38, 1-based): chr2:135,822,014, C>T on the plus strand (G>A on the coding strand, the complement: LCT is on the minus strand). VCF-style: chr2-135822014-C-T. GRCh37 (hg19) VCF-style: chr2-136579584-C-T.
Identifiers: ClinVar variation 4748589 (VCV004748589.1).

ClinVar aggregate classification (germline): Uncertain significance (1 of 4 stars; one submission).

Submission:

Labcorp Genetics (formerly Invitae), Labcorp
Classification: Uncertain significance. Last evaluated: 2025-07-20. Review status: criteria provided, single submitter. Criteria: Invitae Variant Classification Sherloc (09022015). Collection method: clinical testing. Allele origin: germline.
Comment: This sequence change falls in intron 5 of the LCT gene. It does not directly change the encoded amino acid sequence of the LCT protein. It affects a nucleotide within the consensus splice site. This variant is not present in population databases (gnomAD no frequency). This variant has not been reported in the literature in individuals affected with LCT-related conditions. Variants that disrupt the consensus splice site are a relatively common cause of aberrant splicing (PMID: 17576681, 9536098). Algorithms developed to predict the effect of sequence changes on RNA splicing suggest that this variant is not likely to affect RNA splicing. In summary, the available evidence is currently insufficient to determine the role of this variant in disease. Therefore, it has been classified as a Variant of Uncertain Significance.

Literature cited by the submitters: PubMed 17576681; PubMed 9536098.